The following is an entry in ClinVar:

ClinVar aggregate classification (germline): Uncertain significance. Review status: criteria provided, multiple submitters, no conflicts (2 of 4 stars). 2 submissions from 2 submitters: Uncertain significance (2). Last evaluated 2025-08-12.

Conditions:
Inborn genetic diseases. Identifiers: MedGen C0950123, MeSH D030342.

Submissions (2):

Ambry Genetics
Classification: Uncertain significance for Inborn genetic diseases. Last evaluated: 2025-08-12. Review status: criteria provided, single submitter. Criteria: Ambry Variant Classification Scheme 2023. Collection method: clinical testing. Allele origin: germline.

Labcorp Genetics (formerly Invitae), Labcorp
Classification: Uncertain significance. Last evaluated: 2023-09-20. Review status: criteria provided, single submitter. Criteria: Invitae Variant Classification Sherloc (09022015). Collection method: clinical testing. Allele origin: germline.
Comment: This variant has not been reported in the literature in individuals affected with SCN3A-related conditions. This sequence change replaces serine, which is neutral and polar, with threonine, which is neutral and polar, at codon 1139 of the SCN3A protein (p.Ser1139Thr). This variant is not present in population databases (gnomAD no frequency). Advanced modeling of protein sequence and biophysical properties (such as structural, functional, and spatial information, amino acid conservation, physicochemical variation, residue mobility, and thermodynamic stability) has been performed at Invitae for this missense variant, however the output from this modeling did not meet the statistical confidence thresholds required to predict the impact of this variant on SCN3A protein function. In summary, the available evidence is currently insufficient to determine the role of this variant in disease. Therefore, it has been classified as a Variant of Uncertain Significance.

NM_006922.4(SCN3A):c.3415T>A (p.Ser1139Thr)

Gene: SCN3A (sodium voltage-gated channel alpha subunit 3; minus strand). Cytogenetic location: 2q24.3.
Variant type: single nucleotide variant.
Coding change: c.3415T>A on transcript NM_006922.4 (MANE Select); coding-DNA position 3415, T replaced by A.
Protein change: p.Ser1139Thr; replaces serine 1139 with threonine.
Molecular consequence: missense variant.
Genome position (GRCh38, 1-based): chr2:165,115,554, A>T on the plus strand (T>A on the coding strand, the complement: SCN3A is on the minus strand). VCF-style: chr2-165115554-A-T. GRCh37 (hg19) VCF-style: chr2-165972064-A-T.
Other names: c.3268T>A, p.Ser1090Thr (NM_001081676.2, NM_001081677.2); c.3415T>A (NM_006922.3); short protein forms S1090T, S1139T.
Identifiers: ClinVar variation 2762130 (VCV002762130.4), dbSNP rs2468167386, ClinGen allele CA349035919.